The following is an entry in ClinVar:

NM_000038.6(APC):c.645+3978A>C

Gene: APC (APC regulator of WNT signaling pathway; plus strand). Cytogenetic location: 5q22.2.
Variant type: single nucleotide variant.
Coding change: c.645+3978A>C on transcript NM_000038.6 (MANE Select); 3978 bases into the intron after coding-DNA position 645, A replaced by C.
Molecular consequence: intron variant.
Genome position (GRCh38, 1-based): chr5:112,784,881, A>C. VCF-style: chr5-112784881-A-C. GRCh37 (hg19) VCF-style: chr5-112120578-A-C.
Other names: c.645+3978A>C (NM_001354895.2, NM_001127510.3, NM_001354896.2 and 2 more transcripts); c.675+3978A>C (NM_001354897.2, NM_001354902.2, NM_001127511.3); c.570+3978A>C (NM_001354898.2, NM_001354904.2); c.-391+3978A>C (NM_001354906.2); c.468+3978A>C (NM_001354900.2, NM_001354901.2, NM_001354905.2).
Identifiers: ClinVar variation 82451 (VCV000082451.2), dbSNP rs78918340, ClinGen allele CA011480.

ClinVar aggregate classification (germline): other (0 of 4 stars; one submission).

Conditions:
Familial colorectal cancer. Identifiers: MedGen CN280943, MONDO:0023113. Disease mechanism: loss of function.

Allele frequency attached by ClinVar (database versions not stated): gnomAD 0.00001; TOPMed below 0.00001.
gnomAD v4.1: 1 of 152,128 alleles (0.00066%); highest among the groups gnomAD compares: Non-Finnish European, 0.0015%; no homozygotes.

Submission:

Systems Biology Platform Zhejiang California International NanoSystems Institute
Classification: other for Familial colorectal cancer. Review status: no assertion criteria provided. Collection method: not provided. Allele origin: unknown.
ClinVar note: Converted during submission from cancer to other.